The following is an entry in ClinVar:

NM_005993.5(TBCD):c.2725C>T (p.Gln909Ter)

Gene: TBCD (tubulin folding cofactor D). Cytogenetic location: 17q25.3.
Variant type: single nucleotide variant.
Coding change: c.2725C>T on transcript NM_005993.5 (MANE Select); coding-DNA position 2725, C replaced by T.
Protein change: p.Gln909Ter; replaces glutamine 909 with a stop codon.
Molecular consequence: nonsense.
Genome position (GRCh38, 1-based): chr17:82,929,144, C>T. VCF-style: chr17-82929144-C-T. GRCh37 (hg19) VCF-style: chr17-80887020-C-T.
Other names: c.2674C>T, p.Gln892Ter (NM_001411101.1); c.2644C>T, p.Gln882Ter (NM_001411102.1); short protein forms Q892*, Q882*, Q909*.
Identifiers: ClinVar variation 2108292 (VCV002108292.4), dbSNP rs2510757865, ClinGen allele CA401634552.

ClinVar aggregate classification (germline): Pathogenic (1 of 4 stars; one submission).

Submission:

Labcorp Genetics (formerly Invitae), Labcorp
Classification: Pathogenic. Last evaluated: 2024-10-07. Review status: criteria provided, single submitter. Criteria: Invitae Variant Classification Sherloc (09022015). Collection method: clinical testing. Allele origin: germline.
Comment: This sequence change creates a premature translational stop signal (p.Gln909*) in the TBCD gene. It is expected to result in an absent or disrupted protein product. Loss-of-function variants in TBCD are known to be pathogenic (PMID: 27666370, 27666374). This variant is not present in population databases (gnomAD no frequency). This variant has not been reported in the literature in individuals affected with TBCD-related conditions. ClinVar contains an entry for this variant (Variation ID: 2108292). For these reasons, this variant has been classified as Pathogenic.

Literature cited by the submitters: PubMed 27666370; PubMed 27666374.